The following is an entry in ClinVar:

ClinVar aggregate classification (germline): Uncertain significance. Review status: criteria provided, multiple submitters, no conflicts (2 of 4 stars). 2 submissions from 2 submitters: Uncertain significance (2). Last evaluated 2023-01-12.

Conditions:
Charcot-Marie-Tooth disease axonal type 2O. Also called: Charcot-Marie-Tooth disease, axonal, type 20; CHARCOT-MARIE-TOOTH NEUROPATHY, AXONAL, TYPE 2O; CHARCOT-MARIE-TOOTH DISEASE, AXONAL, AUTOSOMAL DOMINANT, TYPE 2O; Charcot-Marie-Tooth Neuropathy Type 2O. Identifiers: Orphanet 284232, MedGen C3280220, MONDO:0013644, OMIM 614228.

Allele frequency attached by ClinVar (database versions not stated): gnomAD exomes below 0.00001.
gnomAD v4.1: 3 of 1,614,188 alleles (0.00019%); highest among the groups gnomAD compares: South Asian, 0.0011%; no homozygotes.

Submissions (2):

Revvity Omics, Revvity
Classification: Uncertain significance. Last evaluated: 2023-01-12. Review status: criteria provided, single submitter. Criteria: ACMG Guidelines, 2015. Collection method: clinical testing. Allele origin: germline.

Laboratorio de Genetica e Diagnostico Molecular, Hospital Israelita Albert Einstein
Classification: Uncertain significance for Charcot-Marie-Tooth disease axonal type 2O. Last evaluated: 2022-10-29. Review status: criteria provided, single submitter. Criteria: ACMG Guidelines, 2015. Collection method: clinical testing. Allele origin: germline. Affected: yes.
Comment: ACMG classification criteria: PM1 moderated, PM2 moderated, BP4 supporting

NM_001376.5(DYNC1H1):c.7187G>A (p.Arg2396Gln)

Gene: DYNC1H1 (dynein cytoplasmic 1 heavy chain 1; plus strand). Cytogenetic location: 14q32.31.
Variant type: single nucleotide variant.
Coding change: c.7187G>A on transcript NM_001376.5 (MANE Select); coding-DNA position 7187, G replaced by A.
Protein change: p.Arg2396Gln; replaces arginine 2396 with glutamine.
Molecular consequence: missense variant.
Genome position (GRCh38, 1-based): chr14:102,015,277, G>A. VCF-style: chr14-102015277-G-A. GRCh37 (hg19) VCF-style: chr14-102481614-G-A.
Other names: short protein forms R2396Q.
Identifiers: ClinVar variation 2431723 (VCV002431723.4), dbSNP rs2503765586, ClinGen allele CA391060366.